The following is an entry in ClinVar:

NM_000038.6(APC):c.6137del (p.Ala2046fs)

Gene: APC (APC regulator of Wnt signaling pathway; plus strand). Cytogenetic location: 5q22.2.
Variant type: Deletion.
Coding change: c.6137del on transcript NM_000038.6 (MANE Select); coding-DNA position 6137, one base deleted (C; older notation c.6137delC).
Protein change: p.Ala2046fs; shifts the reading frame from alanine 2046.
Molecular consequence: frameshift variant.
Genome position (GRCh38, 1-based): chr5:112,841,731, C deleted. VCF-style (leftmost placement, unchanged base first): chr5-112841730-GC-G. GRCh37 (hg19) VCF-style: chr5-112177427-GC-G.
Other names: c.6137del, p.Ala2046fs (NM_001127510.3, NM_001354895.2); c.6083del, p.Ala2028fs (NM_001127511.3); c.6191del, p.Ala2064fs (NM_001354896.2); c.6167del, p.Ala2056fs (NM_001354897.2); c.6062del, p.Ala2021fs (NM_001354898.2); c.6053del, p.Ala2018fs (NM_001354899.2); c.6014del, p.Ala2005fs (NM_001354900.2); c.5960del, p.Ala1987fs (NM_001354901.2); and 5 more; short protein forms A2021fs, A1763fs, A1920fs, A1955fs, A2028fs, A2046fs, A2056fs, A2064fs.
Identifiers: ClinVar variation 582306 (VCV000582306.10), dbSNP rs1561605385, ClinGen allele CA891843028.

ClinVar aggregate classification (germline): Pathogenic (1 of 4 stars; one submission).

Conditions:
Familial adenomatous polyposis 1 (FAP1). Also called: FAMILIAL ADENOMATOUS POLYPOSIS 1, ATTENUATED; POLYPOSIS, ADENOMATOUS INTESTINAL. Identifiers: MedGen C2713442, MONDO:0021056, OMIM 175100. Disease mechanism: loss of function.

Submission:

Labcorp Genetics (formerly Invitae), Labcorp
Classification: Pathogenic for Familial adenomatous polyposis 1. Last evaluated: 2020-01-08. Review status: criteria provided, single submitter. Criteria: Invitae Variant Classification Sherloc (09022015). Collection method: clinical testing. Allele origin: germline.
Comment: This variant is not present in population databases (ExAC no frequency). This sequence change results in a premature translational stop signal in the APC gene (p.Ala2046Glufs*27). While this is not anticipated to result in nonsense mediated decay, it is expected to disrupt the last 798 amino acids of the APC protein. This variant has not been reported in the literature in individuals with APC-related disease. ClinVar contains an entry for this variant (Variation ID: 582306). For these reasons, this variant has been classified as Pathogenic. This variant deletes a portion of the C-terminus of the APC protein, including the Basic Domain, the EB1 Binding Site, and the HDLG Binding Site, which mediate interactions with the cytoskeleton (PMID: 15311282, 17293347). A different truncating variant downstream of this variant, c.7932_7935del (p.Tyr2645Lysfs*14), that only removes the EB1 and HDLG binding sites has been reported in several individuals with familial adenomatous polyposis (FAP) and attenuated FAP (PMID: 1316610, 8381579, 9824584, 22135120). These observations suggest that the C-terminal portion of the protein is clinically important.

Literature cited by the submitters: PubMed 15311282; PubMed 17293347; PubMed 1316610; PubMed 8381579; PubMed 9824584; PubMed 22135120.